The following is an entry in ClinVar:

NM_152384.3(BBS5):c.925C>T (p.Gln309Ter)

Gene: BBS5 (Bardet-Biedl syndrome 5; plus strand). Cytogenetic location: 2q31.1.
Variant type: single nucleotide variant.
Coding change: c.925C>T on transcript NM_152384.3 (MANE Select); coding-DNA position 925, C replaced by T.
Protein change: p.Gln309Ter; replaces glutamine 309 with a stop codon.
Molecular consequence: nonsense.
Genome position (GRCh38, 1-based): chr2:169,504,481, C>T. VCF-style: chr2-169504481-C-T. GRCh37 (hg19) VCF-style: chr2-170360991-C-T.
Other names: short protein forms Q309*.
Identifiers: ClinVar variation 1352811 (VCV001352811.8), dbSNP rs2105304338, ClinGen allele CA349169956.

ClinVar aggregate classification (germline): Pathogenic (1 of 4 stars; one submission).

Conditions:
Bardet-Biedl syndrome (BBS). Identifiers: Orphanet 110, MedGen C0752166, MONDO:0015229.

Submission:

Labcorp Genetics (formerly Invitae), Labcorp
Classification: Pathogenic for Bardet-Biedl syndrome. Last evaluated: 2022-02-18. Review status: criteria provided, single submitter. Criteria: Invitae Variant Classification Sherloc (09022015). Collection method: clinical testing. Allele origin: germline.
Comment: This sequence change creates a premature translational stop signal (p.Gln309*) in the BBS5 gene. While this is not anticipated to result in nonsense mediated decay, it is expected to disrupt the last 33 amino acid(s) of the BBS5 protein. For these reasons, this variant has been classified as Pathogenic. This variant disrupts a region of the BBS5 protein in which other variant(s) (p.Gln309Ilefs*14) have been determined to be pathogenic (Invitae). This suggests that this is a clinically significant region of the protein, and that variants that disrupt it are likely to be disease-causing. Algorithms developed to predict the effect of sequence changes on RNA splicing suggest that this variant may disrupt the consensus splice site. This variant has not been reported in the literature in individuals affected with BBS5-related conditions. This variant is not present in population databases (gnomAD no frequency).